The following is an entry in ClinVar:

ClinVar aggregate classification (germline): Uncertain significance. Review status: criteria provided, multiple submitters, no conflicts (2 of 4 stars). 3 submissions from 3 submitters: Uncertain significance (2). 1 of the submissions does not count toward it. Last evaluated 2025-03-03.

Conditions:
Sialuria. Also called: SIALURIA, FRENCH TYPE; Sialic Acid Storage Disease. Identifiers: Orphanet 3166, MedGen C0342853, MONDO:0010028, OMIM 269921.
GNE myopathy (NM). Also called: NONAKA DISTAL MYOPATHY; IBM 2; Inclusion body myopathy autosomal recessive; Inclusion body myopathy quadriceps sparing; MYOPATHY, DISTAL, WITH OR WITHOUT RIMMED VACUOLES; INCLUSION BODY MYOPATHY, HEREDITARY, AUTOSOMAL RECESSIVE. Identifiers: Orphanet 602, MedGen C1853926, MONDO:0011603, OMIM 605820.

Allele frequency attached by ClinVar (database versions not stated): gnomAD exomes 0.00002; ExAC 0.00003; gnomAD 0.00005 and 0.00006; TOPMed 0.00007; ESP Exome Variant Server 0.00023.
gnomAD v4.1: 10 of 1,534,510 alleles (0.00065%); highest among the groups gnomAD compares: African/African-American, 0.014%; no homozygotes.

Submissions (3):

Labcorp Genetics (formerly Invitae), Labcorp
Classification: Uncertain significance for Sialuria; GNE myopathy. Last evaluated: 2025-03-03. Review status: criteria provided, single submitter. Criteria: Invitae Variant Classification Sherloc (09022015). Collection method: clinical testing. Allele origin: germline.
Comment: This sequence change falls in intron 6 of the GNE gene. It does not directly change the encoded amino acid sequence of the GNE protein. It affects a nucleotide within the consensus splice site. This variant is present in population databases (rs374170125, gnomAD 0.02%). This variant has not been reported in the literature in individuals affected with GNE-related conditions. ClinVar contains an entry for this variant (Variation ID: 504432). Variants that disrupt the consensus splice site are a relatively common cause of aberrant splicing (PMID: 17576681, 9536098). Algorithms developed to predict the effect of sequence changes on RNA splicing suggest that this variant may disrupt the consensus splice site. In summary, the available evidence is currently insufficient to determine the role of this variant in disease. Therefore, it has been classified as a Variant of Uncertain Significance.

GeneDx
Classification: Uncertain significance. Last evaluated: 2018-03-02. Review status: criteria provided, single submitter. Criteria: GeneDx Variant Classification (06012015). Collection method: clinical testing. Allele origin: germline. Affected: yes.
Comment: The c.1163+5 G>A variant has not been published as a pathogenic variant, nor has it been reported as a benign variant to our knowledge. This variant is observed in 6/24,016 (0.03%) alleles from individuals of African background (Lek et al., 2016). Multiple in silico splice prediction models predict that c.1163+5 G>A may destroy the natural splice donor site in intron 6 and lead to abnormal gene splicing. However, in the absence of RNA/functional studies, the actual effect of this sequence change in this individual is unknown.

Natera, Inc.
Classification: Uncertain significance for Nonaka myopathy. Last evaluated: 2019-10-28. Review status: no assertion criteria provided. Collection method: clinical testing. Allele origin: germline. Not counted in ClinVar's aggregate classification.

Literature cited by the submitters: PubMed 17576681 (cited by Labcorp Genetics (formerly Invitae), Labcorp); PubMed 9536098 (cited by Labcorp Genetics (formerly Invitae), Labcorp).

NM_005476.7(GNE):c.1070+5G>A

Gene: GNE (glucosamine (UDP-N-acetyl)-2-epimerase/N-acetylmannosamine kinase; minus strand). Cytogenetic location: 9p13.3.
Variant type: single nucleotide variant.
Coding change: c.1070+5G>A on transcript NM_005476.7 (MANE Select); 5 bases into the intron after coding-DNA position 1070, G replaced by A.
Molecular consequence: intron variant.
Genome position (GRCh38, 1-based): chr9:36,229,016, C>T on the plus strand (G>A on the coding strand, the complement: GNE is on the minus strand). VCF-style: chr9-36229016-C-T. GRCh37 (hg19) VCF-style: chr9-36229013-C-T.
Other names: c.893+5G>A (NM_001190388.2, NM_001374798.1); c.1163+5G>A (NM_001128227.3); c.740+5G>A (NM_001190384.3); c.917+5G>A (NM_001374797.1); c.1070+5G>A (NM_001190383.3).
Identifiers: ClinVar variation 504432 (VCV000504432.8), dbSNP rs374170125, ClinGen allele CA5056590.